The following is an entry in ClinVar:

ClinVar aggregate classification (germline): Uncertain significance (1 of 4 stars; one submission).

Conditions:
Autosomal recessive limb-girdle muscular dystrophy type 2A (LGMDR1). Also called: LEYDEN-MOEBIUS MUSCULAR DYSTROPHY; MUSCULAR DYSTROPHY, PELVOFEMORAL; Limb-girdle muscular dystrophy, type 2A; Muscular dystrophy, limb-girdle, type 2A, Amish; Calpainopathy. Identifiers: Orphanet 267, MedGen C1869123, MONDO:0009675, OMIM 253600. Disease mechanism: loss of function.

Submission:

Labcorp Genetics (formerly Invitae), Labcorp
Classification: Uncertain significance for Autosomal recessive limb-girdle muscular dystrophy type 2A. Last evaluated: 2019-10-17. Review status: criteria provided, single submitter. Criteria: Invitae Variant Classification Sherloc (09022015). Collection method: clinical testing. Allele origin: germline.
Comment: In summary, the available evidence is currently insufficient to determine the role of this variant in disease. Therefore, it has been classified as a Variant of Uncertain Significance. Algorithms developed to predict the effect of missense changes on protein structure and function are either unavailable or do not agree on the potential impact of this missense change (SIFT: "Deleterious"; PolyPhen-2: "Possibly Damaging"; Align-GVGD: "Class C0"). This variant has not been reported in the literature in individuals with CAPN3-related conditions. This variant is not present in population databases (ExAC no frequency). This sequence change replaces leucine with phenylalanine at codon 817 of the CAPN3 protein (p.Leu817Phe). The leucine residue is highly conserved and there is a small physicochemical difference between leucine and phenylalanine.

NM_000070.3(CAPN3):c.2449C>T (p.Leu817Phe)

Gene: CAPN3 (calpain 3; plus strand). Cytogenetic location: 15q15.1.
Variant type: single nucleotide variant.
Coding change: c.2449C>T on transcript NM_000070.3 (MANE Select); coding-DNA position 2449, C replaced by T.
Protein change: p.Leu817Phe; replaces leucine 817 with phenylalanine.
Molecular consequence: missense variant.
Genome position (GRCh38, 1-based): chr15:42,411,756, C>T. VCF-style: chr15-42411756-C-T. GRCh37 (hg19) VCF-style: chr15-42703954-C-T.
Other names: c.2431C>T, p.Leu811Phe (NM_024344.2); c.2173C>T, p.Leu725Phe (NM_173087.2); c.913C>T, p.Leu305Phe (NM_173088.2); c.454C>T, p.Leu152Phe (NM_173089.2, NM_173090.2); short protein forms L817F, L152F, L305F, L725F, L811F.
Identifiers: ClinVar variation 968022 (VCV000968022.10), dbSNP rs2054258897, ClinGen allele CA392002391.